The following is an entry in ClinVar:

NM_000891.3(KCNJ2):c.499G>T (p.Val167Leu)

Gene: KCNJ2 (potassium inwardly rectifying channel subfamily J member 2; plus strand). Cytogenetic location: 17q24.3.
Variant type: single nucleotide variant.
Coding change: c.499G>T on transcript NM_000891.3 (MANE Select); coding-DNA position 499, G replaced by T.
Protein change: p.Val167Leu; replaces valine 167 with leucine.
Molecular consequence: missense variant.
Genome position (GRCh38, 1-based): chr17:70,175,538, G>T. VCF-style: chr17-70175538-G-T. GRCh37 (hg19) VCF-style: chr17-68171679-G-T.
Other names: short protein forms V167L.
Identifiers: ClinVar variation 1002315 (VCV001002315.8), dbSNP rs140147979, ClinGen allele CA400860735.

ClinVar aggregate classification (germline): Uncertain significance (1 of 4 stars; one submission).

Conditions:
Short QT syndrome type 3. Identifiers: Orphanet 51083, MedGen C1865018, MONDO:0012314, OMIM 609622.
Andersen Tawil syndrome (LQT7). Also called: Potassium-sensitive periodic paralysis, ventricular ectopy, and dysmorphic features; ANDERSEN CARDIODYSRHYTHMIC PERIODIC PARALYSIS; PERIODIC PARALYSIS, POTASSIUM-SENSITIVE CARDIODYSRHYTHMIC TYPE; Andersen Syndrome; LONG QT SYNDROME 7. Identifiers: Orphanet 37553, MedGen C1563715, MONDO:0008222, OMIM 170390.

gnomAD v4.1: 4 of 1,614,170 alleles (0.00025%); highest among the groups gnomAD compares: Non-Finnish European, 0.00034%; no homozygotes.

Submission:

Labcorp Genetics (formerly Invitae), Labcorp
Classification: Uncertain significance for Short QT syndrome type 3; Andersen Tawil syndrome. Last evaluated: 2022-03-18. Review status: criteria provided, single submitter. Criteria: Invitae Variant Classification Sherloc (09022015). Collection method: clinical testing. Allele origin: germline.
Comment: In summary, the available evidence is currently insufficient to determine the role of this variant in disease. Therefore, it has been classified as a Variant of Uncertain Significance. Algorithms developed to predict the effect of missense changes on protein structure and function (SIFT, PolyPhen-2, Align-GVGD) all suggest that this variant is likely to be tolerated. ClinVar contains an entry for this variant (Variation ID: 1002315). This variant has not been reported in the literature in individuals affected with KCNJ2-related conditions. This variant is not present in population databases (gnomAD no frequency). This sequence change replaces valine, which is neutral and non-polar, with leucine, which is neutral and non-polar, at codon 167 of the KCNJ2 protein (p.Val167Leu).